The following is an entry in ClinVar:

ClinVar aggregate classification (germline): Likely benign. Review status: criteria provided, multiple submitters, no conflicts (2 of 4 stars). 4 submissions from 4 submitters: Likely benign (3). 1 of the submissions does not count toward it. Last evaluated 2025-12-09.

Conditions:
DOCK6-related disorder. Also called: DOCK6-related condition.
Inborn genetic diseases. Identifiers: MedGen C0950123, MeSH D030342.

Allele frequency attached by ClinVar (database versions not stated): gnomAD 0.00008 and 0.00012; gnomAD exomes 0.00009; TOPMed 0.00021; ExAC 0.00031; 1000 Genomes Project 0.00080; 1000 Genomes Project 30x 0.00094.
gnomAD v4.1: 206 of 1,613,802 alleles (0.013%); highest among the groups gnomAD compares: East Asian, 0.25%; 1 homozygote.

Submissions (4):

Labcorp Genetics (formerly Invitae), Labcorp
Classification: Likely benign. Last evaluated: 2025-12-09. Review status: criteria provided, single submitter. Criteria: Invitae Variant Classification Sherloc (09022015). Collection method: clinical testing. Allele origin: germline.

Blueprint Genetics
Classification: Likely benign. Last evaluated: 2024-11-08. Review status: criteria provided, single submitter. Criteria: ACMG Guidelines, 2015. Collection method: clinical testing. Allele origin: germline.

Ambry Genetics
Classification: Likely benign for Inborn genetic diseases. Last evaluated: 2021-09-09. Review status: criteria provided, single submitter. Criteria: Ambry Variant Classification Scheme 2023. Collection method: clinical testing. Allele origin: germline.

PreventionGenetics, part of Exact Sciences
Classification: Likely benign for DOCK6-related condition. Last evaluated: 2022-12-20. Review status: no assertion criteria provided. Collection method: clinical testing. Allele origin: germline. Not counted in ClinVar's aggregate classification.
Comment: This variant is classified as likely benign based on ACMG/AMP sequence variant interpretation guidelines (Richards et al. 2015 PMID: 25741868, with internal and published modifications).

NM_020812.4(DOCK6):c.2795G>C (p.Trp932Ser)

Gene: DOCK6 (dedicator of cytokinesis 6; minus strand). Cytogenetic location: 19p13.2.
Variant type: single nucleotide variant.
Coding change: c.2795G>C on transcript NM_020812.4 (MANE Select); coding-DNA position 2795, G replaced by C.
Protein change: p.Trp932Ser; replaces tryptophan 932 with serine.
Molecular consequence: missense variant.
Genome position (GRCh38, 1-based): chr19:11,228,959, C>G on the plus strand (G>C on the coding strand, the complement: DOCK6 is on the minus strand). VCF-style: chr19-11228959-C-G. GRCh37 (hg19) VCF-style: chr19-11339635-C-G.
Other names: c.2900G>C, p.Trp967Ser (NM_001367830.1); c.2795G>C (NM_020812.2); short protein forms W932S, W967S.
Identifiers: ClinVar variation 723458 (VCV000723458.14), dbSNP rs199649621, ClinGen allele CA9207484.